The following is an entry in ClinVar:

NM_002184.4(IL6ST):c.1252G>C (p.Ala418Pro)

Gene: IL6ST (interleukin 6 cytokine family signal transducer; minus strand). Cytogenetic location: 5q11.2.
Variant type: single nucleotide variant.
Coding change: c.1252G>C on transcript NM_002184.4 (MANE Select); coding-DNA position 1252, G replaced by C.
Protein change: p.Ala418Pro; replaces alanine 418 with proline.
Molecular consequence: missense variant. On other transcripts: 3 prime UTR variant (1), non-coding transcript variant (2).
Genome position (GRCh38, 1-based): chr5:55,956,040, C>G on the plus strand (G>C on the coding strand, the complement: IL6ST is on the minus strand). VCF-style: chr5-55956040-C-G. GRCh37 (hg19) VCF-style: chr5-55251868-C-G.
Other names: c.1252G>C, p.Ala418Pro (NM_001190981.2, NM_001364275.2); c.1042G>C, p.Ala348Pro (NM_001364276.2); c.385G>C, p.Ala129Pro (NM_001364277.2); c.349G>C, p.Ala117Pro (NM_001364278.2); c.256G>C, p.Ala86Pro (NM_001364279.2); c.*179G>C (NM_175767.3); short protein forms A348P, A86P, A117P, A129P, A418P.
Identifiers: ClinVar variation 1419778 (VCV001419778.8), dbSNP rs1751941262, ClinGen allele CA359763830.

ClinVar aggregate classification (germline): Uncertain significance (1 of 4 stars; one submission).

Submission:

Labcorp Genetics (formerly Invitae), Labcorp
Classification: Uncertain significance. Last evaluated: 2020-12-20. Review status: criteria provided, single submitter. Criteria: Invitae Variant Classification Sherloc (09022015). Collection method: clinical testing. Allele origin: germline.
Comment: In summary, the available evidence is currently insufficient to determine the role of this variant in disease. Therefore, it has been classified as a Variant of Uncertain Significance. Algorithms developed to predict the effect of missense changes on protein structure and function (SIFT, PolyPhen-2, Align-GVGD) all suggest that this variant is likely to be tolerated, but these predictions have not been confirmed by published functional studies and their clinical significance is uncertain. This variant has not been reported in the literature in individuals with IL6ST-related conditions. This variant is not present in population databases (ExAC no frequency). This sequence change replaces alanine with proline at codon 418 of the IL6ST protein (p.Ala418Pro). The alanine residue is weakly conserved and there is a small physicochemical difference between alanine and proline.